The following is an entry in ClinVar:

NM_001374828.1(ARID1B):c.5833G>A (p.Gly1945Ser)

Gene: ARID1B (AT-rich interaction domain 1B; plus strand). Cytogenetic location: 6q25.3.
Variant type: single nucleotide variant.
Coding change: c.5833G>A on transcript NM_001374828.1 (MANE Select); coding-DNA position 5833, G replaced by A.
Protein change: p.Gly1945Ser; replaces glycine 1945 with serine.
Molecular consequence: missense variant.
Genome position (GRCh38, 1-based): chr6:157,206,605, G>A. VCF-style: chr6-157206605-G-A. GRCh37 (hg19) VCF-style: chr6-157527739-G-A.
Other names: c.3334G>A, p.Gly1112Ser (NM_001363725.2); c.5713G>A, p.Gly1905Ser (NM_001371656.1, NM_001374820.1); c.5674G>A, p.Gly1892Ser (NM_017519.3); short protein forms G1112S, G1905S, G1945S, G1892S.
Identifiers: ClinVar variation 1366656 (VCV001366656.8), dbSNP rs1218816452, ClinGen allele CA366246950.

ClinVar aggregate classification (germline): Uncertain significance (1 of 4 stars; one submission).

Allele frequency attached by ClinVar (database versions not stated): gnomAD exomes 0.00001; TOPMed 0.00001.
gnomAD v4.1: 5 of 1,613,816 alleles (0.00031%); highest among the groups gnomAD compares: Non-Finnish European, 0.00025%; no homozygotes.

Submission:

Labcorp Genetics (formerly Invitae), Labcorp
Classification: Uncertain significance. Last evaluated: 2025-04-28. Review status: criteria provided, single submitter. Criteria: Invitae Variant Classification Sherloc (09022015). Collection method: clinical testing. Allele origin: germline.
Comment: This sequence change replaces glycine, which is neutral and non-polar, with serine, which is neutral and polar, at codon 1822 of the ARID1B protein (p.Gly1822Ser). This variant is present in population databases (no rsID available, gnomAD 0.009%). This variant has not been reported in the literature in individuals affected with ARID1B-related conditions. ClinVar contains an entry for this variant (Variation ID: 1366656). Invitae Evidence Modeling of protein sequence and biophysical properties (such as structural, functional, and spatial information, amino acid conservation, physicochemical variation, residue mobility, and thermodynamic stability) indicates that this missense variant is expected to disrupt ARID1B protein function with a positive predictive value of 80%. In summary, the available evidence is currently insufficient to determine the role of this variant in disease. Therefore, it has been classified as a Variant of Uncertain Significance.